The following is an entry in ClinVar:

NM_001256789.3(CACNA1F):c.3287A>C (p.Tyr1096Ser)

Gene: CACNA1F (calcium voltage-gated channel subunit alpha1 F; minus strand). Cytogenetic location: Xp11.23.
Variant type: single nucleotide variant.
Coding change: c.3287A>C on transcript NM_001256789.3 (MANE Select); coding-DNA position 3287, A replaced by C.
Protein change: p.Tyr1096Ser; replaces tyrosine 1096 with serine.
Molecular consequence: missense variant.
Genome position (GRCh38, 1-based): chrX:49,215,493, T>G on the plus strand (A>C on the coding strand, the complement: CACNA1F is on the minus strand). VCF-style: chrX-49215493-T-G. GRCh37 (hg19) VCF-style: chrX-49071953-T-G.
Other names: c.3125A>C, p.Tyr1042Ser (NM_001256790.3); c.3320A>C, p.Tyr1107Ser (NM_005183.4); short protein forms Y1107S, Y1042S, Y1096S.
Identifiers: ClinVar variation 1403852 (VCV001403852.8), dbSNP rs2065704580, ClinGen allele CA412963728.

ClinVar aggregate classification (germline): Uncertain significance (1 of 4 stars; one submission).

Submission:

Labcorp Genetics (formerly Invitae), Labcorp
Classification: Uncertain significance. Last evaluated: 2022-03-10. Review status: criteria provided, single submitter. Criteria: Invitae Variant Classification Sherloc (09022015). Collection method: clinical testing. Allele origin: germline.
Comment: In summary, the available evidence is currently insufficient to determine the role of this variant in disease. Therefore, it has been classified as a Variant of Uncertain Significance. Algorithms developed to predict the effect of missense changes on protein structure and function (SIFT, PolyPhen-2, Align-GVGD) all suggest that this variant is likely to be tolerated. This variant has not been reported in the literature in individuals affected with CACNA1F-related conditions. This variant is not present in population databases (gnomAD no frequency). This sequence change replaces tyrosine, which is neutral and polar, with serine, which is neutral and polar, at codon 1107 of the CACNA1F protein (p.Tyr1107Ser).